The following is an entry in ClinVar:

NM_001127222.2(CACNA1A):c.4390G>A (p.Val1464Ile)

Gene: CACNA1A (calcium voltage-gated channel subunit alpha1 A; minus strand). Cytogenetic location: 19p13.13.
Variant type: single nucleotide variant.
Coding change: c.4390G>A on transcript NM_001127222.2 (MANE Select); coding-DNA position 4390, G replaced by A.
Protein change: p.Val1464Ile; replaces valine 1464 with isoleucine.
Molecular consequence: missense variant.
Genome position (GRCh38, 1-based): chr19:13,257,550, C>T on the plus strand (G>A on the coding strand, the complement: CACNA1A is on the minus strand). VCF-style: chr19-13257550-C-T. GRCh37 (hg19) VCF-style: chr19-13368364-C-T.
Other names: c.4402G>A, p.Val1468Ile (NM_000068.4, NM_023035.3); c.4393G>A, p.Val1465Ile (NM_001127221.2, NM_001174080.2); short protein forms V1465I, V1468I, V1464I.
Identifiers: ClinVar variation 1519682 (VCV001519682.8), dbSNP rs2144748776, ClinGen allele CA404339180.

ClinVar aggregate classification (germline): Uncertain significance (1 of 4 stars; one submission).

Conditions:
Developmental and epileptic encephalopathy, 42 (DEE42A). Also called: Epileptic encephalopathy, early infantile, 42; DEVELOPMENTAL AND EPILEPTIC ENCEPHALOPATHY 42A; EPILEPTIC ENCEPHALOPATHY, EARLY INFANTILE, 42A. Identifiers: MedGen C4310716, MONDO:0014917, OMIM 617106.
Episodic ataxia type 2 (EA2). Also called: ATAXIA, EPISODIC, WITH NYSTAGMUS; ATAXIA, FAMILIAL PAROXYSMAL; CEREBELLAR ATAXIA, PAROXYSMAL, ACETAZOLAMIDE-RESPONSIVE; CEREBELLOPATHY, HEREDITARY PAROXYSMAL; EPISODIC ATAXIA, NYSTAGMUS-ASSOCIATED; ACETAZOLAMIDE-RESPONSIVE HEREDITARY PAROXYSMAL CEREBELLAR ATAXIA. Identifiers: Orphanet 97, MedGen C1720416, MONDO:0007163, OMIM 108500.

Submission:

Labcorp Genetics (formerly Invitae), Labcorp
Classification: Uncertain significance for Developmental and epileptic encephalopathy, 42; Episodic ataxia type 2. Last evaluated: 2022-02-05. Review status: criteria provided, single submitter. Criteria: Invitae Variant Classification Sherloc (09022015). Collection method: clinical testing. Allele origin: germline.
Comment: This variant is not present in population databases (gnomAD no frequency). This variant has not been reported in the literature in individuals affected with CACNA1A-related conditions. Algorithms developed to predict the effect of missense changes on protein structure and function are either unavailable or do not agree on the potential impact of this missense change (SIFT: "Tolerated"; PolyPhen-2: "Probably Damaging"; Align-GVGD: "Class C0"). In summary, the available evidence is currently insufficient to determine the role of this variant in disease. Therefore, it has been classified as a Variant of Uncertain Significance. This sequence change replaces valine, which is neutral and non-polar, with isoleucine, which is neutral and non-polar, at codon 1465 of the CACNA1A protein (p.Val1465Ile).